The following is an entry in ClinVar:

NM_006901.4(MYO9A):c.3001-2A>G

Gene: MYO9A (myosin IXA; minus strand). Cytogenetic location: 15q23.
Variant type: single nucleotide variant.
Coding change: c.3001-2A>G on transcript NM_006901.4 (MANE Select); the canonical splice acceptor site of the intron before coding-DNA position 3001, A replaced by G.
Molecular consequence: splice acceptor variant.
Genome position (GRCh38, 1-based): chr15:71,901,342, T>C on the plus strand (A>G on the coding strand, the complement: MYO9A is on the minus strand). VCF-style: chr15-71901342-T-C. GRCh37 (hg19) VCF-style: chr15-72193683-T-C.
Identifiers: ClinVar variation 1676435 (VCV001676435.3), dbSNP rs2143524373, ClinGen allele CA393050501.

ClinVar aggregate classification (germline): Likely pathogenic (1 of 4 stars; one submission).

Conditions:
Myasthenic syndrome, congenital, 24, presynaptic. Identifiers: MedGen C4748684, MONDO:0032597, OMIM 618198.

Submission:

Greenwood Genetic Center Diagnostic Laboratories, Greenwood Genetic Center
Classification: Likely pathogenic for Myasthenic syndrome, congenital, 24, presynaptic. Last evaluated: 2022-01-04. Review status: criteria provided, single submitter. Criteria: ACMG Guidelines, 2015. Collection method: clinical testing. Allele origin: germline. Affected: yes.
Comment: PVS1, PM2